The following is an entry in ClinVar:

ClinVar aggregate classification (germline): Pathogenic (0 of 4 stars; one submission).

Conditions:
Fanconi anemia complementation group A (FANCA). Also called: Fanconi anemia, group A; FANCA-Related Fanconi Anemia. Identifiers: Orphanet 84, MedGen C3469521, MONDO:0009215, OMIM 227650.

Submission:

Leiden Open Variation Database
Classification: Pathogenic for Fanconi anemia complementation group A. Last evaluated: 2020-02-28. Review status: no assertion criteria provided. Collection method: curation. Allele origin: germline. Affected: yes.
Comment: Curator: Arleen D. Auerbach. Submitter to LOVD: Arleen D. Auerbach.

NC_000016.10:g.(89740867_89742799)_(89779958_89782858)del

Genes: ZNF276 (zinc finger protein 276; plus strand), FANCA (FA complementation group A; minus strand). Cytogenetic location: 16q24.3.
Variant type: Deletion.
Identifiers: ClinVar variation 974017 (VCV000974017.1).